The following is an entry in ClinVar:

NM_024312.5(GNPTAB):c.*1457A>G

Gene: GNPTAB (N-acetylglucosamine-1-phosphate transferase subunits alpha and beta; minus strand). Cytogenetic location: 12q23.2.
Variant type: single nucleotide variant.
Coding change: c.*1457A>G on transcript NM_024312.5 (MANE Select); 1457 bases downstream of the stop codon, A replaced by G.
Molecular consequence: 3 prime UTR variant.
Genome position (GRCh38, 1-based): chr12:101,745,707, T>C on the plus strand (A>G on the coding strand, the complement: GNPTAB is on the minus strand). VCF-style: chr12-101745707-T-C. GRCh37 (hg19) VCF-style: chr12-102139485-T-C.
Identifiers: ClinVar variation 306769 (VCV000306769.5), dbSNP rs10219650, ClinGen allele CA10636112.

ClinVar aggregate classification (germline): Benign. Review status: criteria provided, single submitter (1 of 4 stars). 2 submissions from 1 submitter: Benign (2). Last evaluated 2018-01-12.

Conditions:
Mucolipidosis type II. Also called: Mucolipidosis II Alpha/Beta; ML II ALPHA/BETA; Mucolipidosis 2; ML 2; Inclusion cell disease; Leroy Disease. Identifiers: Orphanet 576, MedGen C2673377, MONDO:0009650, OMIM 252500.
Pseudo-Hurler polydystrophy. Also called: MUCOLIPIDOSIS IIIA; ML IIIA; Mucolipidosis III Alpha/Beta; ML III; ML III ALPHA/BETA; Type III Mucolipidosis. Identifiers: Orphanet 423461, Orphanet 577, MedGen C0033788, MONDO:0018931, OMIM 252600.

Allele frequency attached by ClinVar (database versions not stated): gnomAD 0.03091 and 0.03720; 1000 Genomes Project 0.11122; 1000 Genomes Project 30x 0.10369; TOPMed 0.03715.

Submissions (2):

Illumina Laboratory Services, Illumina
Classification: Benign for Pseudo-Hurler polydystrophy. Last evaluated: 2018-01-12. Review status: criteria provided, single submitter. Criteria: ICSL Variant Classification Criteria 13 December 2019. Collection method: clinical testing. Allele origin: germline.
Comment: This variant was observed in the ICSL laboratory as part of a predisposition screen in an ostensibly healthy population. It had not been previously curated by ICSL or reported in the Human Gene Mutation Database (HGMD: prior to June 1st, 2018), and was therefore a candidate for classification through an automated scoring system. Utilizing variant allele frequency, disease prevalence and penetrance estimates, and inheritance mode, an automated score was calculated to assess if this variant is too frequent to cause the disease. Based on the score and internal cut-off values, a variant classified as benign is not then subjected to further curation. The score for this variant resulted in a classification of benign for this disease.

Illumina Laboratory Services, Illumina
Classification: Benign for Mucolipidosis type II. Last evaluated: 2018-01-12. Review status: criteria provided, single submitter. Criteria: ICSL Variant Classification Criteria 13 December 2019. Collection method: clinical testing. Allele origin: germline.
Comment: the same text as in the submission from Illumina Laboratory Services, Illumina above.